The following is an entry in ClinVar:

ClinVar aggregate classification (germline): Uncertain significance. Review status: criteria provided, multiple submitters, no conflicts (2 of 4 stars). 2 submissions from 2 submitters: Uncertain significance (2). Last evaluated 2025-09-15.

Conditions:
Tuberous sclerosis 2 (TSC2). Identifiers: Orphanet 805, MedGen C1860707, MONDO:0013199, OMIM 613254.
Tuberous sclerosis syndrome (TSC). Also called: Tuberous Sclerosis Complex; Tuberous sclerosis. Identifiers: Orphanet 805, MedGen C0041341, MONDO:0001734.

Allele frequency attached by ClinVar (database versions not stated): TOPMed 0.00002.
gnomAD v4.1: 2 of 1,609,006 alleles (0.00012%); highest among the groups gnomAD compares: South Asian, 0.0011%; no homozygotes.

Submissions (2):

Labcorp Genetics (formerly Invitae), Labcorp
Classification: Uncertain significance for Tuberous sclerosis 2. Last evaluated: 2025-09-15. Review status: criteria provided, single submitter. Criteria: Invitae Variant Classification Sherloc (09022015). Collection method: clinical testing. Allele origin: germline.
Comment: This sequence change replaces proline, which is neutral and non-polar, with serine, which is neutral and polar, at codon 1444 of the TSC2 protein (p.Pro1444Ser). This variant is not present in population databases (gnomAD no frequency). This variant has not been reported in the literature in individuals affected with TSC2-related conditions. ClinVar contains an entry for this variant (Variation ID: 863806). Invitae Evidence Modeling of protein sequence and biophysical properties (such as structural, functional, and spatial information, amino acid conservation, physicochemical variation, residue mobility, and thermodynamic stability) indicates that this missense variant is not expected to disrupt TSC2 protein function with a negative predictive value of 95%. In summary, the available evidence is currently insufficient to determine the role of this variant in disease. Therefore, it has been classified as a Variant of Uncertain Significance.

All of Us Research Program, National Institutes of Health
Classification: Uncertain significance for Tuberous sclerosis syndrome. Last evaluated: 2023-06-26. Review status: criteria provided, single submitter. Criteria: ACMG Guidelines, 2015. Collection method: clinical testing. Allele origin: germline. Inheritance: Autosomal dominant inheritance. Observed: 1 variant allele, 1 heterozygote.
Comment: This missense variant replaces proline with serine at codon 1444 of the TSC2 protein. Computational prediction is inconclusive regarding the impact of this variant on protein structure and function (internally defined REVEL score threshold 0.5 < inconclusive < 0.7, PMID: 27666373). To our knowledge, functional studies have not been reported for this variant. This variant has not been reported in individuals affected with tuberous sclerosis complex in the literature. This variant has not been identified in the general population by the Genome Aggregation Database (gnomAD). The available evidence is insufficient to determine the role of this variant in disease conclusively. Therefore, this variant is classified as a Variant of Uncertain Significance.

This study involves interpretation of variants in research participants for the purpose of population health screening. Participant phenotype was not available at the time of variant classification. Additional details can be found in publication PMID: 35346344, PMCID: PMC8962531

NM_000548.5(TSC2):c.4330C>T (p.Pro1444Ser)

Gene: TSC2 (TSC complex subunit 2; plus strand). Cytogenetic location: 16p13.3.
Variant type: single nucleotide variant.
Coding change: c.4330C>T on transcript NM_000548.5 (MANE Select); coding-DNA position 4330, C replaced by T.
Protein change: p.Pro1444Ser; replaces proline 1444 with serine.
Molecular consequence: missense variant.
Genome position (GRCh38, 1-based): chr16:2,084,552, C>T. VCF-style: chr16-2084552-C-T. GRCh37 (hg19) VCF-style: chr16-2134553-C-T.
Other names: c.4129C>T, p.Pro1377Ser (NM_001077183.3); c.4261C>T, p.Pro1421Ser (NM_001114382.3); c.4021C>T, p.Pro1341Ser (NM_001318827.2); c.3985C>T, p.Pro1329Ser (NM_001318829.2); c.3598C>T, p.Pro1200Ser (NM_001318831.2); c.4162C>T, p.Pro1388Ser (NM_001318832.2); c.4132C>T, p.Pro1378Ser (NM_001363528.2); c.4198C>T, p.Pro1400Ser (NM_001370404.1); and 1 more; short protein forms P1421S, P1200S, P1329S, P1444S, P1377S, P1378S, P1388S, P1400S.
Identifiers: ClinVar variation 863806 (VCV000863806.11), dbSNP rs1459518095, ClinGen allele CA394301401.